The following is an entry in ClinVar:

ClinVar aggregate classification (germline): Pathogenic/Likely pathogenic. Review status: criteria provided, multiple submitters, no conflicts (2 of 4 stars). 4 submissions from 4 submitters: Pathogenic (2); Likely pathogenic (1). 1 of the submissions does not count toward it. Last evaluated 2026-09-03.

Conditions:
Marfan syndrome (MFS). Also called: FBN1-Related Marfan Syndrome; Marfan's syndrome; MARFAN SYNDROME, TYPE I; Marfan syndrome, classic; Marfan syndrome type 1. Identifiers: Orphanet 284963, Orphanet 558, MedGen C0024796, MONDO:0007947, OMIM 154700.
Familial thoracic aortic aneurysm and aortic dissection (TAAD). Also called: Thoracic aortic aneurysms and dissections. Identifiers: Orphanet 91387, MedGen C4707243, MONDO:0019625.

Submissions (4):

Ambry Genetics
Classification: Pathogenic for Familial thoracic aortic aneurysm and aortic dissection. Last evaluated: 2026-09-03. Review status: criteria provided, single submitter. Criteria: Ambry Variant Classification Scheme 2023. Collection method: clinical testing. Allele origin: germline.
Comment: The p.C2204R pathogenic mutation (also known as c.6610T>C), located in coding exon 53 of the FBN1 gene, results from a T to C substitution at nucleotide position 6610. The cysteine at codon 2204 is replaced by arginine, an amino acid with highly dissimilar properties. This variant was reported in individual(s) with features consistent with Marfan syndrome (Kayhan G et al. Genet Test Mol Biomarkers, 2018 Aug;22:474-480; Ambry internal data). The majority of FBN1 mutations identified to date have involved the substitution or generation of cysteine residues within cbEGF domains (Vollbrandt T et al. J Biol Chem. 2004;279(31):32924-32931). Internal structural analysis indicates this variant eliminates a disulfide bond critical for the structural integrity of the cbEGF33 domain (Ambry internal data). Another variant at the same codon, p.C2204Y (c.6611G>A), has been identified in individual(s) with features consistent with Marfan syndrome; in at least one individual, it was determined to be de novo (Ambry internal data). This amino acid position is highly conserved in available vertebrate species. In addition, this alteration is predicted to be deleterious by in silico analysis. This variant is considered to be rare based on population cohorts in the Genome Aggregation Database (gnomAD). Based on the supporting evidence, this variant is interpreted as a disease-causing mutation.

Labcorp Genetics (formerly Invitae), Labcorp
Classification: Pathogenic for Marfan syndrome; Familial thoracic aortic aneurysm and aortic dissection. Last evaluated: 2022-09-22. Review status: criteria provided, single submitter. Criteria: Invitae Variant Classification Sherloc (09022015). Collection method: clinical testing. Allele origin: germline.
Comment: This missense change has been observed in individual(s) with FBN1-related conditions (Invitae). In at least one individual the variant was observed to be de novo. This variant is not present in population databases (gnomAD no frequency). This sequence change replaces cysteine, which is neutral and slightly polar, with arginine, which is basic and polar, at codon 2204 of the FBN1 protein (p.Cys2204Arg). This variant affects a cysteine residue in the EGF-like, TGFBP or hybrid motif domains of FBN1. Cysteine residues are believed to be involved in intramolecular disulfide bridges and have been shown to be important for FBN1 protein structure (PMID: 16905551, 19349279). In addition, missense substitutions affecting cysteine residues within these domains are significantly overrepresented among patients with Marfan syndrome (PMID: 16571647, 17701892). For these reasons, this variant has been classified as Pathogenic. ClinVar contains an entry for this variant (Variation ID: 527154). Advanced modeling of protein sequence and biophysical properties (such as structural, functional, and spatial information, amino acid conservation, physicochemical variation, residue mobility, and thermodynamic stability) performed at Invitae indicates that this missense variant is expected to disrupt FBN1 protein function.

Mendelics
Classification: Likely pathogenic for Marfan syndrome. Last evaluated: 2019-05-28. Review status: criteria provided, single submitter. Criteria: Mendelics Assertion Criteria 2017. Collection method: clinical testing. Allele origin: unknown.

Department of Medical Genetics, Gazi University
Classification: Pathogenic for Marfan syndrome. Last evaluated: 2018-06-01. Review status: no assertion criteria provided. Collection method: clinical testing. Allele origin: unknown. Affected: yes. Observed: 1 heterozygote. Not counted in ClinVar's aggregate classification.

Literature cited by the submitters: PubMed 30048161 (cited by Ambry Genetics and Department of Medical Genetics, Gazi University); PubMed 16905551 (cited by Labcorp Genetics (formerly Invitae), Labcorp); PubMed 19349279 (cited by Labcorp Genetics (formerly Invitae), Labcorp); PubMed 16571647 (cited by Labcorp Genetics (formerly Invitae), Labcorp); PubMed 17701892 (cited by Labcorp Genetics (formerly Invitae), Labcorp).

NM_000138.5(FBN1):c.6610T>C (p.Cys2204Arg)

Gene: FBN1 (fibrillin 1; minus strand). Cytogenetic location: 15q21.1.
Variant type: single nucleotide variant.
Coding change: c.6610T>C on transcript NM_000138.5 (MANE Select); coding-DNA position 6610, T replaced by C.
Protein change: p.Cys2204Arg; replaces cysteine 2204 with arginine.
Molecular consequence: missense variant.
Genome position (GRCh38, 1-based): chr15:48,434,600, A>G on the plus strand (T>C on the coding strand, the complement: FBN1 is on the minus strand). VCF-style: chr15-48434600-A-G. GRCh37 (hg19) VCF-style: chr15-48726797-A-G.
Other names: short protein forms C2204R.
Identifiers: ClinVar variation 527154 (VCV000527154.11), dbSNP rs1555395001, ClinGen allele CA392334606.
Genomic context (GRCh38, chr15:48,434,600, plus strand): 5'-ATTGTTCCCAGGATCAGTACACGTAATCAACTGTTCTCTGTTTAAGAGATGTACCTTCAC[A>G]TGTCATCATTGGACCGGGCTCAAATCCCTCCTCGCAGGTGCATTCAAAACCTCCAATCAC-3'
Protein context (NP_000129.3, residues 2194-2214): EGFEPGPMMT[Cys2204Arg]EDINECAQNP